The following is an entry in ClinVar:

ClinVar aggregate classification (germline): Likely pathogenic (1 of 4 stars; one submission).

Conditions:
Ehlers-Danlos syndrome, classic-like, 2. Identifiers: Orphanet 536532, MedGen C4693870, MONDO:0054813, OMIM 618000.

Submission:

Dasa
Classification: Likely pathogenic for Ehlers-Danlos syndrome, classic-like, 2. Last evaluated: 2024-12-26. Review status: criteria provided, single submitter. Criteria: DASA Assertion Criteria. Collection method: clinical testing. Allele origin: germline.
Comment: NM_001129.5(AEBP1):c.2334_2337dup (p.Thr780Alafs*19) is a frameshift variant in AEBP1 predicted to alter the reading frame and introduce a premature termination codon and is predicted to result in an absent or altered protein product. Loss of function is an established disease mechanism for AEBP1-associated disorders. Also, this variant is absent from population databases. Based on the currently available evidence, this variant is classified as likely pathogenic.

NM_001129.5(AEBP1):c.2334_2337dup (p.Thr780fs)

Gene: AEBP1 (AE binding protein 1; plus strand). Cytogenetic location: 7p13.
Variant type: Duplication.
Coding change: c.2334_2337dup on transcript NM_001129.5 (MANE Select); coding-DNA positions 2334 to 2337, 4 bases duplicated (GCCT; older notation c.2334_2337dupGCCT).
Protein change: p.Thr780fs; shifts the reading frame from threonine 780.
Molecular consequence: frameshift variant.
Genome position (GRCh38, 1-based): chr7:44,112,674-44,112,677, GCCT duplicated. VCF-style (leftmost placement, unchanged base first): chr7-44112673-C-CGCCT. GRCh37 (hg19) VCF-style: chr7-44152272-C-CGCCT.
Other names: short protein forms T780fs.
Identifiers: ClinVar variation 4880732 (VCV004880732.2).